The following is an entry in ClinVar:

ClinVar aggregate classification (germline): Uncertain significance (1 of 4 stars; one submission).

gnomAD v4.1: 4 of 1,612,644 alleles (0.00025%); highest among the groups gnomAD compares: Admixed American, 0.0033%; no homozygotes.

Submission:

Labcorp Genetics (formerly Invitae), Labcorp
Classification: Uncertain significance. Last evaluated: 2024-02-05. Review status: criteria provided, single submitter. Criteria: Invitae Variant Classification Sherloc (09022015). Collection method: clinical testing. Allele origin: germline.
Comment: This sequence change replaces methionine, which is neutral and non-polar, with valine, which is neutral and non-polar, at codon 753 of the DIAPH3 protein (p.Met753Val). This variant is present in population databases (rs758753777, gnomAD 0.007%). This variant has not been reported in the literature in individuals affected with DIAPH3-related conditions. An algorithm developed to predict the effect of missense changes on protein structure and function (PolyPhen-2) suggests that this variant is likely to be tolerated. In summary, the available evidence is currently insufficient to determine the role of this variant in disease. Therefore, it has been classified as a Variant of Uncertain Significance.

NM_001042517.2(DIAPH3):c.2257A>G (p.Met753Val)

Gene: DIAPH3 (diaphanous related formin 3; minus strand). Cytogenetic location: 13q21.2.
Variant type: single nucleotide variant.
Coding change: c.2257A>G on transcript NM_001042517.2 (MANE Select); coding-DNA position 2257, A replaced by G.
Protein change: p.Met753Val; replaces methionine 753 with valine.
Molecular consequence: missense variant.
Genome position (GRCh38, 1-based): chr13:59,916,163, T>C on the plus strand (A>G on the coding strand, the complement: DIAPH3 is on the minus strand). VCF-style: chr13-59916163-T-C. GRCh37 (hg19) VCF-style: chr13-60490297-T-C.
Other names: c.1468A>G, p.Met490Val (NM_030932.4, NM_001258370.2); c.2224A>G, p.Met742Val (NM_001258366.2); c.2119A>G, p.Met707Val (NM_001258367.2); c.2047A>G, p.Met683Val (NM_001258368.2); c.2257A>G, p.Met753Val (NM_001258369.2); short protein forms M490V, M683V, M707V, M742V, M753V.
Identifiers: ClinVar variation 3607440 (VCV003607440.2).
Genomic context (GRCh38, chr13:59,916,163, plus strand): 5'-ATGAGAAGCTTGCAATGAAATATTGAAATTTAAGCTGTGCCTGTTTGTTTACCTGAATCA[T>C]AGACTCTGCCAACCGTGTTTCATCTACTTCCAATATCATCATTCTGATTTCCTCATATGG-3'
Protein context (NP_001035982.1, residues 743-763): EVDETRLAES[Met753Val]IQNLIKHLPD